The following is an entry in ClinVar:

ClinVar aggregate classification (germline): Pathogenic/Likely pathogenic. Review status: criteria provided, multiple submitters, no conflicts (2 of 4 stars). 2 submissions from 2 submitters: Pathogenic (1); Likely pathogenic (1). Last evaluated 2023-05-08.

Conditions:
MYO7A-related disorder. Also called: MYO7A-related disorders.

Allele frequency attached by ClinVar (database versions not stated): gnomAD exomes below 0.00001.
gnomAD v4.1: 2 of 1,593,688 alleles (0.00013%); highest among the groups gnomAD compares: Non-Finnish European, 0.00017%; no homozygotes.

Submissions (2):

Labcorp Genetics (formerly Invitae), Labcorp
Classification: Pathogenic. Last evaluated: 2023-05-08. Review status: criteria provided, single submitter. Criteria: Invitae Variant Classification Sherloc (09022015). Collection method: clinical testing. Allele origin: germline.
Comment: For these reasons, this variant has been classified as Pathogenic. ClinVar contains an entry for this variant (Variation ID: 961163). This premature translational stop signal has been observed in individual(s) with Usher syndrome (PMID: 26969326). This variant is not present in population databases (gnomAD no frequency). This sequence change creates a premature translational stop signal (p.Glu476*) in the MYO7A gene. It is expected to result in an absent or disrupted protein product. Loss-of-function variants in MYO7A are known to be pathogenic (PMID: 8900236, 25404053).

Blueprint Genetics
Classification: Likely pathogenic for MYO7A-related disorders. Last evaluated: 2022-11-06. Review status: criteria provided, single submitter. Criteria: ACMG Guidelines, 2015. Collection method: clinical testing. Allele origin: germline. Affected: yes. Observed: 1 variant allele.

Literature cited by the submitters: PubMed 26969326 (cited by Labcorp Genetics (formerly Invitae), Labcorp); PubMed 8900236 (cited by Labcorp Genetics (formerly Invitae), Labcorp); PubMed 25404053 (cited by Labcorp Genetics (formerly Invitae), Labcorp).

NM_000260.4(MYO7A):c.1426G>T (p.Glu476Ter)

Gene: MYO7A (myosin VIIA; plus strand). Cytogenetic location: 11q13.5.
Variant type: single nucleotide variant.
Coding change: c.1426G>T on transcript NM_000260.4 (MANE Select); coding-DNA position 1426, G replaced by T.
Protein change: p.Glu476Ter; replaces glutamic acid 476 with a stop codon.
Molecular consequence: nonsense.
Genome position (GRCh38, 1-based): chr11:77,162,202, G>T. VCF-style: chr11-77162202-G-T. GRCh37 (hg19) VCF-style: chr11-76873248-G-T.
Other names: c.1426G>T, p.Glu476Ter (NM_001127180.2); c.1393G>T, p.Glu465Ter (NM_001369365.1); short protein forms E465*, E476*.
Identifiers: ClinVar variation 961163 (VCV000961163.10), dbSNP rs1953066558, ClinGen allele CA381935382.